The following is an entry in ClinVar:

ClinVar aggregate classification (germline): Uncertain significance (0 of 4 stars; one submission).

Conditions:
CELSR1-related disorder. Also called: CELSR1-related condition.

Submission:

PreventionGenetics, part of Exact Sciences
Classification: Uncertain significance for CELSR1-related condition. Last evaluated: 2024-01-26. Review status: no assertion criteria provided. Collection method: clinical testing. Allele origin: germline.
Comment: The CELSR1 c.6880_6882delAAA variant is predicted to result in an in-frame deletion (p.Lys2294del). To our knowledge, this variant has not been reported in the literature or in a large population database, indicating this variant is rare. At this time, the clinical significance of this variant is uncertain due to the absence of conclusive functional and genetic evidence.

NM_001378328.1(CELSR1):c.6880_6882del (p.Lys2294del)

Gene: CELSR1 (cadherin EGF LAG seven-pass G-type receptor 1; minus strand). Cytogenetic location: 22q13.31.
Variant type: Deletion.
Coding change: c.6880_6882del on transcript NM_001378328.1 (MANE Select); coding-DNA positions 6880 to 6882, 3 bases deleted (AAA; older notation c.6880_6882delAAA).
Protein change: p.Lys2294del; deletes lysine 2294.
Genome position (GRCh38, 1-based): chr22:46,384,544-46,384,546, TTT deleted on the plus strand (AAA on the coding strand, the reverse complement: CELSR1 is on the minus strand); deleting any 3 consecutive bases within chr22:46,384,544-46,384,548 gives the same sequence; the c. name uses the placement nearest the transcript's 3' end. VCF-style (leftmost placement, unchanged base first): chr22-46384543-CTTT-C. GRCh37 (hg19) VCF-style: chr22-46780440-CTTT-C.
Other names: c.6880_6882del, p.Lys2294del (NM_014246.4); short protein forms K2294del.
Identifiers: ClinVar variation 3061383 (VCV003061383.2), dbSNP rs2079011985, ClinGen allele CA2408720172.
Genomic context (GRCh38, chr22:46,384,543, plus strand): 5'-CCTCCCCTCCCTGAACGCTGGGGACTCCGAGGGCAGCAGCAGGTTTCTAAGCGGTTTTAC[CTTT>C]TTCTTCAGGTGGTCTGAAGAAGTCGGCTGGGAAGGAGACGGAGGACTCCAGCTCCCTGGG-3'